The following is an entry in ClinVar:

NM_152703.5(SAMD9L):c.1632G>T (p.Leu544Phe)

Gene: SAMD9L (sterile alpha motif domain containing 9 like; minus strand). Cytogenetic location: 7q21.2.
Variant type: single nucleotide variant.
Coding change: c.1632G>T on transcript NM_152703.5 (MANE Select); coding-DNA position 1632, G replaced by T.
Protein change: p.Leu544Phe; replaces leucine 544 with phenylalanine.
Molecular consequence: missense variant.
Genome position (GRCh38, 1-based): chr7:93,134,340, C>A on the plus strand (G>T on the coding strand, the complement: SAMD9L is on the minus strand). VCF-style: chr7-93134340-C-A. GRCh37 (hg19) VCF-style: chr7-92763653-C-A.
Other names: c.1632G>T, p.Leu544Phe (NM_001350085.2, NM_001303496.3, NM_001303497.3 and 5 more transcripts); short protein forms L544F.
Identifiers: ClinVar variation 4630105 (VCV004630105.2).

ClinVar aggregate classification (germline): Uncertain significance. Review status: criteria provided, multiple submitters, no conflicts (2 of 4 stars). 2 submissions from 2 submitters: Uncertain significance (2). Last evaluated 2025-11-10.

Conditions:
Inborn genetic diseases. Identifiers: MedGen C0950123, MeSH D030342.

Submissions (2):

Ambry Genetics
Classification: Uncertain significance for Inborn genetic diseases. Last evaluated: 2025-11-10. Review status: criteria provided, single submitter. Criteria: Ambry Variant Classification Scheme 2023. Collection method: clinical testing. Allele origin: germline.
Comment: The p.L544F variant (also known as c.1632G>T), located in coding exon 1 of the SAMD9L gene, results from a G to T substitution at nucleotide position 1632. The leucine at codon 544 is replaced by phenylalanine, an amino acid with highly similar properties. This amino acid position is conserved. In addition, this alteration is predicted to be tolerated by in silico analysis. Based on the available evidence, the clinical significance of this variant remains unclear.

Labcorp Genetics (formerly Invitae), Labcorp
Classification: Uncertain significance. Last evaluated: 2025-07-20. Review status: criteria provided, single submitter. Criteria: Invitae Variant Classification Sherloc (09022015). Collection method: clinical testing. Allele origin: germline.
Comment: This sequence change replaces leucine, which is neutral and non-polar, with phenylalanine, which is neutral and non-polar, at codon 544 of the SAMD9L protein (p.Leu544Phe). This variant is not present in population databases (gnomAD no frequency). This variant has not been reported in the literature in individuals affected with SAMD9L-related conditions. Invitae Evidence Modeling of protein sequence and biophysical properties (such as structural, functional, and spatial information, amino acid conservation, physicochemical variation, residue mobility, and thermodynamic stability) indicates that this missense variant is expected to disrupt SAMD9L protein function with a positive predictive value of 80%. In summary, the available evidence is currently insufficient to determine the role of this variant in disease. Therefore, it has been classified as a Variant of Uncertain Significance.